The following is an entry in ClinVar:

ClinVar aggregate classification (germline): Pathogenic (1 of 4 stars; one submission).

Conditions:
Early-infantile DEE. Also called: Ohtahara syndrome; Early infantile epileptic encephalopathy with suppression bursts; Early infantile epileptic encephalopathy. Identifiers: Orphanet 1934, MedGen C0393706, MONDO:0800491.

Submission:

Labcorp Genetics (formerly Invitae), Labcorp
Classification: Pathogenic for Early-infantile DEE. Last evaluated: 2023-05-13. Review status: criteria provided, single submitter. Criteria: Invitae Variant Classification Sherloc (09022015). Collection method: clinical testing. Allele origin: germline.
Comment: For these reasons, this variant has been classified as Pathogenic. This variant has not been reported in the literature in individuals affected with SCN1A-related conditions. This variant is not present in population databases (gnomAD no frequency). This sequence change creates a premature translational stop signal (p.Met350Ilefs*4) in the SCN1A gene. It is expected to result in an absent or disrupted protein product. Loss-of-function variants in SCN1A are known to be pathogenic (PMID: 17347258, 18930999).

Literature cited by the submitters: PubMed 17347258; PubMed 18930999.

NM_001165963.4(SCN1A):c.1048_1049dup (p.Met350fs)

Gene: SCN1A (sodium voltage-gated channel alpha subunit 1; minus strand). Cytogenetic location: 2q24.3.
Variant type: Microsatellite.
Coding change: c.1048_1049dup on transcript NM_001165963.4 (MANE Select); coding-DNA positions 1048 to 1049, 2 bases duplicated (AT; older notation c.1048_1049dupAT).
Protein change: p.Met350fs; shifts the reading frame from methionine 350.
Molecular consequence: frameshift variant. On other transcripts: 5 prime UTR variant (1), non-coding transcript variant (1).
Genome position (GRCh38, 1-based): chr2:166,047,748-166,047,749, AT duplicated on the plus strand (AT on the coding strand, the reverse complement: SCN1A is on the minus strand); duplicating any 2 consecutive bases within chr2:166,047,748-166,047,753 gives the same sequence; the c. name uses the placement nearest the transcript's 3' end. VCF-style (leftmost placement, unchanged base first): chr2-166047747-C-CAT. GRCh37 (hg19) VCF-style: chr2-166904257-C-CAT.
Other names: c.1048_1049dup, p.Met350fs (NM_001165964.3, NM_001202435.3, NM_001353948.2 and 10 more transcripts); c.-1382AT[4] (NM_001353961.2); short protein forms M350fs.
Identifiers: ClinVar variation 2863817 (VCV002863817.3), dbSNP rs2468190357, ClinGen allele CA2739271497.
Genomic context (GRCh38, chr2:166,047,747, plus strand): 5'-CCAACTGAAGGTATCAAAGCTTGTGTAGCCATAATTGGGATTTCTACCAGCTTTCACACA[C>CAT]ATATATCCCTCTGGACATTGGCTGCAAGTGGGGTAAAAGAAAGTATTACAAGTCGTTCTG-3'